The following is an entry in ClinVar:

ClinVar aggregate classification (germline): Pathogenic/Likely pathogenic. Review status: criteria provided, multiple submitters, no conflicts (2 of 4 stars). 3 submissions from 3 submitters: Pathogenic (2); Likely pathogenic (1). Last evaluated 2025-03-12.

Conditions:
Retinitis pigmentosa 25 (RP25). Identifiers: Orphanet 791, MedGen C1864446, MONDO:0011272, OMIM 602772.

Submissions (3):

Natera, Inc.
Classification: Likely pathogenic for Retinitis pigmentosa type 25. Last evaluated: 2025-03-12. Review status: criteria provided, single submitter. Criteria: Natera Variant Classification Schema (03/2026). Collection method: clinical testing. Allele origin: germline.
Comment: The c.5330T>A variant in EYS is a nonsense variant predicted to introduce a stop codon at amino acid 1777. This variant is expected to result in nonsense mediated decay, truncation, or a dysfunctional protein product. This variant is rare in the general population with a frequency below the threshold expected for the associated phenotype(s). Given the available evidence, this variant is classified as Likely Pathogenic.

Myriad Genetics, Inc.
Classification: Pathogenic for Retinitis pigmentosa 25. Last evaluated: 2024-05-14. Review status: criteria provided, single submitter. Criteria: Myriad Autosomal Dominant, Autosomal Recessive and X-Linked Classification Criteria (2023). Collection method: clinical testing. Allele origin: unknown.
Comment: NM_001142800.1(EYS):c.5330T>A(L1777*) is expected to be pathogenic in the context of retinitis pigmentosa, EYS-related. This variant is predicted to lead to an abnormal or absent protein product due to the creation of a premature termination codon in EYS, a gene where loss-of-function variants are known to be pathogenic. Please note: this variant was assessed in the context of healthy population screening.

Labcorp Genetics (formerly Invitae), Labcorp
Classification: Pathogenic. Last evaluated: 2022-09-09. Review status: criteria provided, single submitter. Criteria: Invitae Variant Classification Sherloc (09022015). Collection method: clinical testing. Allele origin: germline.
Comment: This sequence change creates a premature translational stop signal (p.Leu1777*) in the EYS gene. It is expected to result in an absent or disrupted protein product. Loss-of-function variants in EYS are known to be pathogenic (PMID: 18836446, 20333770). This variant is not present in population databases (gnomAD no frequency). This premature translational stop signal has been observed in individual(s) with retinitis pigmentosa (PMID: 25412400). For these reasons, this variant has been classified as Pathogenic.

Literature cited by the submitters: PubMed 18836446 (cited by Labcorp Genetics (formerly Invitae), Labcorp); PubMed 20333770 (cited by Labcorp Genetics (formerly Invitae), Labcorp); PubMed 25412400 (cited by Labcorp Genetics (formerly Invitae), Labcorp).

NM_001142800.2(EYS):c.5330T>A (p.Leu1777Ter)

Gene: EYS (EGF-like photoreceptor maintenance factor; minus strand). Cytogenetic location: 6q12.
Variant type: single nucleotide variant.
Coding change: c.5330T>A on transcript NM_001142800.2 (MANE Select); coding-DNA position 5330, T replaced by A.
Protein change: p.Leu1777Ter; replaces leucine 1777 with a stop codon.
Molecular consequence: nonsense.
Genome position (GRCh38, 1-based): chr6:64,590,537, A>T on the plus strand (T>A on the coding strand, the complement: EYS is on the minus strand). VCF-style: chr6-64590537-A-T. GRCh37 (hg19) VCF-style: chr6-65300430-A-T.
Other names: c.5330T>A, p.Leu1777Ter (NM_001292009.2); c.5330T>A (NM_001142800.1); short protein forms L1777*.
Identifiers: ClinVar variation 2136430 (VCV002136430.7), dbSNP rs947209456, ClinGen allele CA140340884.
Genomic context (GRCh38, chr6:64,590,537, plus strand): 5'-GAAACTGTATAAAATGCAACATTGGTGGTGACTTCTGAAAAATCAGGCACTGAGCCTGTC[A>T]ATGGTGGCAGATTATTTTTGAAGTCATTTGCATGTGTAATTTCTGAATATGTCTTTAAAG-3'